The following is an entry in ClinVar:

ClinVar aggregate classification (germline): Conflicting classifications of pathogenicity. Review status: criteria provided, conflicting classifications (1 of 4 stars). 5 submissions from 5 submitters: Uncertain significance (1); Likely benign (4). Last evaluated 2026-03-01.

Conditions:
Isolated Nonsyndromic Congenital Heart Disease.
Alagille syndrome due to a JAG1 point mutation. Also called: JAG1-Related Alagille Syndrome; Alagille Syndrome 1; HEPATIC DUCTULAR HYPOPLASIA, SYNDROMATIC. Identifiers: Orphanet 261619, Orphanet 52, MedGen C1956125, MONDO:0016862, OMIM 118450.

Allele frequency attached by ClinVar (database versions not stated): gnomAD 0.00004 and 0.00003; ExAC 0.00002; gnomAD exomes 0.00003 and 0.00007; TOPMed 0.00003.
gnomAD v4.1: 113 of 1,613,918 alleles (0.007%); highest among the groups gnomAD compares: Middle Eastern, 0.016%; no homozygotes.

Submissions (5):

CeGaT Center for Human Genetics Tuebingen
Classification: Likely benign. Last evaluated: 2026-03-01. Review status: criteria provided, single submitter. Criteria: CeGaT Center For Human Genetics Tuebingen Variant Classification Criteria Version 2. Collection method: clinical testing. Allele origin: germline. Affected: yes. Observed: 1 variant allele.
Comment: JAG1: BP4, BP7

Labcorp Genetics (formerly Invitae), Labcorp
Classification: Likely benign for Alagille syndrome due to a JAG1 point mutation. Last evaluated: 2024-05-22. Review status: criteria provided, single submitter. Criteria: Invitae Variant Classification Sherloc (09022015). Collection method: clinical testing. Allele origin: germline.

Blueprint Genetics
Classification: Likely benign. Last evaluated: 2023-12-29. Review status: criteria provided, single submitter. Criteria: ACMG Guidelines, 2015. Collection method: clinical testing. Allele origin: germline.

Eurofins Ntd Llc (ga)
Classification: Uncertain significance. Last evaluated: 2018-01-31. Review status: criteria provided, single submitter. Criteria: EGL Classification Definitions 2015. Collection method: clinical testing. Allele origin: germline. Observed: 1 variant allele, 1 heterozygote.

Illumina Laboratory Services, Illumina
Classification: Likely benign for Isolated Nonsyndromic Congenital Heart Disease. Last evaluated: 2017-04-27. Review status: criteria provided, single submitter. Criteria: ICSL Variant Classification Criteria 13 December 2019. Collection method: clinical testing. Allele origin: germline.
Comment: This variant was observed as part of a predisposition screen in an ostensibly healthy population. A literature search was performed for the gene, cDNA change, and amino acid change (where applicable). No publications were found based on this search. Allele frequency data from public databases allowed determination this variant is unlikely to cause disease. Therefore, this variant is classified as likely benign.

NM_000214.3(JAG1):c.2304C>T (p.Cys768=)

Gene: JAG1 (jagged canonical Notch ligand 1; minus strand). Cytogenetic location: 20p12.2.
Variant type: single nucleotide variant.
Coding change: c.2304C>T on transcript NM_000214.3 (MANE Select); coding-DNA position 2304, C replaced by T.
Protein change: p.Cys768=; no amino-acid change (cysteine 768 retained).
Molecular consequence: synonymous variant.
Genome position (GRCh38, 1-based): chr20:10,644,903, G>A on the plus strand (C>T on the coding strand, the complement: JAG1 is on the minus strand). VCF-style: chr20-10644903-G-A. GRCh37 (hg19) VCF-style: chr20-10625551-G-A.
Other names: c.2304C>T, p.Cys768= (LRG_1191t1).
Identifiers: ClinVar variation 595961 (VCV000595961.22), dbSNP rs755427292, ClinGen allele CA9764560.
Genomic context (GRCh38, chr20:10,644,903, plus strand): 5'-CAAGGGGGGAGGACACTCACTCTGAGCACAGATGGGCCCCTCCCAGCCTTCCTTGCAGAC[G>A]CACGTAAAGGACTCGCCGTTGACCACACATGTGCCCCCATTATGGCAGGGGTTGGGCAGG-3'
Protein context (NP_000205.1, residues 758-778): TCVVNGESFT[Cys768=]VCKEGWEGPI